The following is an entry in ClinVar:

ClinVar aggregate classification (germline): Uncertain significance (1 of 4 stars; one submission).

Allele frequency attached by ClinVar (database versions not stated): gnomAD 0.00001; gnomAD exomes 0.00002; ExAC 0.00003; ESP Exome Variant Server 0.00008.
gnomAD v4.1: 12 of 1,611,740 alleles (0.00074%); highest among the groups gnomAD compares: Admixed American, 0.0034%; no homozygotes.

Submission:

CeGaT Center for Human Genetics Tuebingen
Classification: Uncertain significance. Last evaluated: 2022-05-01. Review status: criteria provided, single submitter. Criteria: CeGaT Center For Human Genetics Tuebingen Variant Classification Criteria Version 2. Collection method: clinical testing. Allele origin: germline. Affected: yes. Observed: 1 variant allele.
Comment: SHOX: PM1, PM5:Supporting, PP4

NM_000451.4(SHOX):c.411C>G (p.Asp137Glu)

Genes: SHOX (SHOX homeobox; plus strand), LOC107652445 (meiotic recombination hotspot SHOX; plus strand). Cytogenetic location: Xp22.33.
Variant type: single nucleotide variant.
Coding change: c.411C>G on transcript NM_000451.4 (MANE Select); coding-DNA position 411, C replaced by G.
Protein change: p.Asp137Glu; replaces aspartic acid 137 with glutamic acid.
Molecular consequence: missense variant.
Genome position (GRCh38, 1-based): chrX:634,751, C>G. VCF-style: chrX-634751-C-G. GRCh37 (hg19) VCF-style: chrX-595486-C-G.
Other names: c.411C>G, p.Asp137Glu (NM_006883.2); short protein forms D137E.
Identifiers: ClinVar variation 1695280 (VCV001695280.31), dbSNP rs367787242, ClinGen allele CA10329969.
Genomic context (GRCh38, chrX:634,751, plus strand): 5'-GAGGCGCAGCCGCACCAACTTCACGCTGGAGCAGCTGAACGAGCTCGAGCGACTCTTCGA[C>G]GAGACCCATTACCCCGACGCCTTCATGCGCGAGGAGCTCAGCCAGCGCCTGGGGCTCTCC-3'
Protein context (NP_000442.1, residues 127-147): EQLNELERLF[Asp137Glu]ETHYPDAFMR